The following is an entry in ClinVar:

ClinVar aggregate classification (germline): Uncertain significance. Review status: criteria provided, multiple submitters, no conflicts (2 of 4 stars). 3 submissions from 3 submitters: Uncertain significance (3). Last evaluated 2022-04-29.

Conditions:
Inborn genetic diseases. Identifiers: MedGen C0950123, MeSH D030342.
Mitochondrial complex I deficiency, nuclear type 5. Also called: Mitochondrial complex 1 deficiency, nuclear type 5. Identifiers: MedGen C4748754, MONDO:0032610, OMIM 618226.

Allele frequency attached by ClinVar (database versions not stated): gnomAD 0.00007; ExAC 0.00010; gnomAD exomes 0.00012.
gnomAD v4.1: 349 of 1,611,402 alleles (0.022%); highest among the groups gnomAD compares: South Asian, 0.052%; no homozygotes.

Submissions (3):

Fulgent Genetics
Classification: Uncertain significance for Mitochondrial complex I deficiency, nuclear type 5. Last evaluated: 2022-04-29. Review status: criteria provided, single submitter. Criteria: ACMG Guidelines, 2015. Collection method: clinical testing. Allele origin: unknown.

Ambry Genetics
Classification: Uncertain significance for Inborn genetic diseases. Last evaluated: 2021-12-03. Review status: criteria provided, single submitter. Criteria: Ambry Variant Classification Scheme 2023. Collection method: clinical testing. Allele origin: germline.

Labcorp Genetics (formerly Invitae), Labcorp
Classification: Uncertain significance. Last evaluated: 2021-12-03. Review status: criteria provided, single submitter. Criteria: Invitae Variant Classification Sherloc (09022015). Collection method: clinical testing. Allele origin: germline.
Comment: In summary, the available evidence is currently insufficient to determine the role of this variant in disease. Therefore, it has been classified as a Variant of Uncertain Significance. Algorithms developed to predict the effect of missense changes on protein structure and function output the following: SIFT: "Tolerated"; PolyPhen-2: "Benign"; Align-GVGD: "Class C0". The threonine amino acid residue is found in multiple mammalian species, which suggests that this missense change does not adversely affect protein function. This sequence change replaces serine, which is neutral and polar, with threonine, which is neutral and polar, at codon 109 of the NDUFS1 protein (p.Ser109Thr). The frequency data for this variant in the population databases is considered unreliable, as metrics indicate poor data quality at this position in the gnomAD database. This variant has not been reported in the literature in individuals affected with NDUFS1-related conditions.

NM_005006.7(NDUFS1):c.325T>A (p.Ser109Thr)

Gene: NDUFS1 (NADH:ubiquinone oxidoreductase core subunit S1; minus strand). Cytogenetic location: 2q33.3.
Variant type: single nucleotide variant.
Coding change: c.325T>A on transcript NM_005006.7 (MANE Select); coding-DNA position 325, T replaced by A.
Protein change: p.Ser109Thr; replaces serine 109 with threonine.
Molecular consequence: missense variant. On other transcripts: intron variant (1).
Genome position (GRCh38, 1-based): chr2:206,149,033, A>T on the plus strand (T>A on the coding strand, the complement: NDUFS1 is on the minus strand). VCF-style: chr2-206149033-A-T. GRCh37 (hg19) VCF-style: chr2-207013757-A-T.
Other names: c.217T>A, p.Ser73Thr (NM_001199981.2); c.154T>A, p.Ser52Thr (NM_001199983.2); c.367T>A, p.Ser123Thr (NM_001199984.2); c.6-1199T>A (NM_001199982.2); c.325T>A (NM_005006.6); short protein forms S109T, S52T, S73T, S123T.
Identifiers: ClinVar variation 1416216 (VCV001416216.8), dbSNP rs769616417, ClinGen allele CA2070818.